The following is an entry in ClinVar:

ClinVar aggregate classification (germline): Uncertain significance (1 of 4 stars; one submission).

Conditions:
Inborn genetic diseases. Identifiers: MedGen C0950123, MeSH D030342.

Submission:

Ambry Genetics
Classification: Uncertain significance for Inborn genetic diseases. Last evaluated: 2026-08-16. Review status: criteria provided, single submitter. Criteria: Ambry Variant Classification Scheme 2023. Collection method: clinical testing. Allele origin: germline.
Comment: The p.K90I variant (also known as c.269A>T), located in coding exon 3 of the SBDS gene, results from an A to T substitution at nucleotide position 269. The lysine at codon 90 is replaced by isoleucine, an amino acid with dissimilar properties. This amino acid position is conserved. In addition, this alteration is predicted to be deleterious by in silico analysis. Based on the available evidence, the clinical significance of this variant remains unclear.

NM_016038.4(SBDS):c.269A>T (p.Lys90Ile)

Gene: SBDS (SBDS ribosome maturation factor; minus strand). Cytogenetic location: 7q11.21.
Variant type: single nucleotide variant.
Coding change: c.269A>T on transcript NM_016038.4 (MANE Select); coding-DNA position 269, A replaced by T.
Protein change: p.Lys90Ile; replaces lysine 90 with isoleucine.
Molecular consequence: missense variant.
Genome position (GRCh38, 1-based): chr7:66,993,407, T>A on the plus strand (A>T on the coding strand, the complement: SBDS is on the minus strand). VCF-style: chr7-66993407-T-A. GRCh37 (hg19) VCF-style: chr7-66458394-T-A.
Other names: short protein forms K90I.
Identifiers: ClinVar variation 5029039 (VCV005029039.1).
Genomic context (GRCh38, chr7:66,993,407, plus strand): 5'-TCCCTAAACATCTGCTCCAGTTGTGTGTGTCTTTCTTTATCTGATACTTGAACTTCTCCT[T>A]TAGTCAAAATCTAAAAAAATGCCAACACATTTAAGAAATCACTATCTTTCTCTATCACAC-3'
Protein context (NP_057122.2, residues 80-100): QTEICKQILT[Lys90Ile]GEVQVSDKER